The following is an entry in ClinVar:

NM_198578.4(LRRK2):c.351G>T (p.Leu117Phe)

Gene: LRRK2 (leucine rich repeat kinase 2; plus strand). Cytogenetic location: 12q12.
Variant type: single nucleotide variant.
Coding change: c.351G>T on transcript NM_198578.4 (MANE Select); coding-DNA position 351, G replaced by T.
Protein change: p.Leu117Phe; replaces leucine 117 with phenylalanine.
Molecular consequence: missense variant.
Genome position (GRCh38, 1-based): chr12:40,235,629, G>T. VCF-style: chr12-40235629-G-T. GRCh37 (hg19) VCF-style: chr12-40629431-G-T.
Other names: short protein forms L117F.
Identifiers: ClinVar variation 1732258 (VCV001732258.2), dbSNP rs2499402764, ClinGen allele CA384402600.
Genomic context (GRCh38, chr12:40,235,629, plus strand): 5'-AGCAAACTTTTGAGTATGATATTTCATTCTTATCTTGATTTCTGTTTTTAACTCCAGATT[G>T]ATTCTTAAAATGCTAACAGTTCATAATGCCAGTGTAAACTTGTCAGTGATTGGACTGAAG-3'
Protein context (NP_940980.4, residues 107-127): NDWEVLGVHQ[Leu117Phe]ILKMLTVHNA

ClinVar aggregate classification (germline): Uncertain significance (1 of 4 stars; one submission).

Conditions:
Inborn genetic diseases. Identifiers: MedGen C0950123, MeSH D030342.

gnomAD v4.1: 1 of 1,595,888 alleles (0.000063%); highest among the groups gnomAD compares: Non-Finnish European, 0.000086%; no homozygotes.

Submission:

Ambry Genetics
Classification: Uncertain significance for Inborn genetic diseases. Last evaluated: 2022-05-02. Review status: criteria provided, single submitter. Criteria: Ambry Variant Classification Scheme 2023. Collection method: clinical testing. Allele origin: germline.
Comment: The p.L117F variant (also known as c.351G>T), located in coding exon 4 of the LRRK2 gene, results from a G to T substitution at nucleotide position 351. The leucine at codon 117 is replaced by phenylalanine, an amino acid with highly similar properties. This amino acid position is conserved. In addition, this alteration is predicted to be tolerated by in silico analysis. Since supporting evidence is limited at this time, the clinical significance of this alteration remains unclear.